The following is an entry in ClinVar:

ClinVar aggregate classification (germline): Uncertain significance. Review status: criteria provided, multiple submitters, no conflicts (2 of 4 stars). 3 submissions from 3 submitters: Uncertain significance (3). Last evaluated 2024-06-14.

Conditions:
Hereditary cancer-predisposing syndrome. Also called: Hereditary neoplastic syndrome; Neoplastic Syndromes, Hereditary; Tumor predisposition; Hereditary Cancer Syndrome. Identifiers: Orphanet 140162, MedGen C0027672, MeSH D009386, MONDO:0015356.
Pancreatic cancer, susceptibility to, 3. Identifiers: Orphanet 1333, MedGen C3150547, MONDO:0013236, OMIM 613348.
Familial cancer of breast. Also called: BREAST CANCER, FAMILIAL; Hereditary breast cancer; hereditary breast carcinoma. Identifiers: Orphanet 227535, MedGen C0346153, MONDO:0016419, OMIM 114480. Disease mechanism: loss of function.
Fanconi anemia complementation group N. Also called: PALB2-Related Fanconi Anemia. Identifiers: Orphanet 84, MedGen C1835817, MONDO:0012565, OMIM 610832. Disease mechanism: loss of function.

Submissions (3):

Ambry Genetics
Classification: Uncertain significance for Hereditary cancer-predisposing syndrome. Last evaluated: 2024-06-14. Review status: criteria provided, single submitter. Criteria: Ambry Variant Classification Scheme 2023. Collection method: clinical testing. Allele origin: germline.
Comment: The p.R510S variant (also known as c.1530A>C), located in coding exon 4 of the PALB2 gene, results from an A to C substitution at nucleotide position 1530. The arginine at codon 510 is replaced by serine, an amino acid with dissimilar properties. This amino acid position is well conserved in available vertebrate species. In addition, this alteration is predicted to be tolerated by in silico analysis. Since supporting evidence is limited at this time, the clinical significance of this alteration remains unclear.

Fulgent Genetics
Classification: Uncertain significance for Familial cancer of breast; Fanconi anemia complementation group N; Pancreatic cancer, susceptibility to, 3. Last evaluated: 2022-05-04. Review status: criteria provided, single submitter. Criteria: ACMG Guidelines, 2015. Collection method: clinical testing. Allele origin: unknown.

Labcorp Genetics (formerly Invitae), Labcorp
Classification: Uncertain significance for Familial cancer of breast. Last evaluated: 2021-01-13. Review status: criteria provided, single submitter. Criteria: Invitae Variant Classification Sherloc (09022015). Collection method: clinical testing. Allele origin: germline.
Comment: This sequence change replaces arginine with serine at codon 510 of the PALB2 protein (p.Arg510Ser). The arginine residue is moderately conserved and there is a moderate physicochemical difference between arginine and serine. This variant is not present in population databases (ExAC no frequency). This variant has not been reported in the literature in individuals with PALB2-related conditions. ClinVar contains an entry for this variant (Variation ID: 484184). Algorithms developed to predict the effect of missense changes on protein structure and function are either unavailable or do not agree on the potential impact of this missense change (SIFT: "Tolerated"; PolyPhen-2: "Possibly Damaging"; Align-GVGD: "Class C0"). In summary, the available evidence is currently insufficient to determine the role of this variant in disease. Therefore, it has been classified as a Variant of Uncertain Significance.

NM_024675.4(PALB2):c.1530A>C (p.Arg510Ser)

Gene: PALB2 (partner and localizer of BRCA2; minus strand). Cytogenetic location: 16p12.2.
Variant type: single nucleotide variant.
Coding change: c.1530A>C on transcript NM_024675.4 (MANE Select); coding-DNA position 1530, A replaced by C.
Protein change: p.Arg510Ser; replaces arginine 510 with serine.
Molecular consequence: missense variant.
Genome position (GRCh38, 1-based): chr16:23,635,016, T>G on the plus strand (A>C on the coding strand, the complement: PALB2 is on the minus strand). VCF-style: chr16-23635016-T-G. GRCh37 (hg19) VCF-style: chr16-23646337-T-G.
Other names: short protein forms R510S.
Identifiers: ClinVar variation 484184 (VCV000484184.18), dbSNP rs1555461232, ClinGen allele CA395130939.